The following is an entry in ClinVar:

ClinVar aggregate classification (germline): Uncertain significance. Review status: criteria provided, multiple submitters, no conflicts (2 of 4 stars). 2 submissions from 2 submitters: Uncertain significance (2). Last evaluated 2025-12-11.

Conditions:
Hypertrophic cardiomyopathy 14. Identifiers: MedGen C2750467, MONDO:0013197, OMIM 613251.

Allele frequency attached by ClinVar (database versions not stated): gnomAD 0.00001; TOPMed 0.00002; ESP Exome Variant Server 0.00008.
gnomAD v4.1: 15 of 1,613,532 alleles (0.00093%); highest among the groups gnomAD compares: African/African-American, 0.0013%; no homozygotes.

Submissions (2):

GeneDx
Classification: Uncertain significance. Last evaluated: 2025-12-11. Review status: criteria provided, single submitter. Criteria: GeneDx Variant Classification Process June 2021. Collection method: clinical testing. Allele origin: germline. Affected: yes.
Comment: Not observed at significant frequency in large population cohorts (gnomAD); In silico analysis supports that this missense variant has a deleterious effect on protein structure/function; Has not been previously published as pathogenic or benign to our knowledge

Labcorp Genetics (formerly Invitae), Labcorp
Classification: Uncertain significance for Hypertrophic cardiomyopathy 14. Last evaluated: 2025-10-04. Review status: criteria provided, single submitter. Criteria: Invitae Variant Classification Sherloc (09022015). Collection method: clinical testing. Allele origin: germline.
Comment: This sequence change replaces arginine, which is basic and polar, with glutamine, which is neutral and polar, at codon 370 of the MYH6 protein (p.Arg370Gln). This variant is not present in population databases (gnomAD no frequency). This variant has not been reported in the literature in individuals affected with MYH6-related conditions. ClinVar contains an entry for this variant (Variation ID: 1015553). Invitae Evidence Modeling of protein sequence and biophysical properties (such as structural, functional, and spatial information, amino acid conservation, physicochemical variation, residue mobility, and thermodynamic stability) indicates that this missense variant is expected to disrupt MYH6 protein function with a positive predictive value of 80%. In summary, the available evidence is currently insufficient to determine the role of this variant in disease. Therefore, it has been classified as a Variant of Uncertain Significance.

NM_002471.4(MYH6):c.1109G>A (p.Arg370Gln)

Gene: MYH6 (myosin heavy chain 6; minus strand). Cytogenetic location: 14q11.2.
Variant type: single nucleotide variant.
Coding change: c.1109G>A on transcript NM_002471.4 (MANE Select); coding-DNA position 1109, G replaced by A.
Protein change: p.Arg370Gln; replaces arginine 370 with glutamine.
Molecular consequence: missense variant.
Genome position (GRCh38, 1-based): chr14:23,402,496, C>T on the plus strand (G>A on the coding strand, the complement: MYH6 is on the minus strand). VCF-style: chr14-23402496-C-T. GRCh37 (hg19) VCF-style: chr14-23871705-C-T.
Other names: short protein forms R370Q.
Identifiers: ClinVar variation 1015553 (VCV001015553.11), dbSNP rs141083503, ClinGen allele CA257795029.